The following is an entry in ClinVar:

ClinVar aggregate classification (germline): Uncertain significance. Review status: criteria provided, multiple submitters, no conflicts (2 of 4 stars). 2 submissions from 2 submitters: Uncertain significance (2). Last evaluated 2025-08-21.

Conditions:
Inborn genetic diseases. Identifiers: MedGen C0950123, MeSH D030342.

Allele frequency attached by ClinVar (database versions not stated): gnomAD exomes below 0.00001; ExAC 0.00001.
gnomAD v4.1: 1 of 1,573,958 alleles (0.000064%); highest among the groups gnomAD compares: South Asian, 0.0011%; no homozygotes.

Submissions (2):

Ambry Genetics
Classification: Uncertain significance for Inborn genetic diseases. Last evaluated: 2025-08-21. Review status: criteria provided, single submitter. Criteria: Ambry Variant Classification Scheme 2023. Collection method: clinical testing. Allele origin: germline.
Comment: The p.Y383H variant (also known as c.1147T>C), located in coding exon 6 of the FANCM gene, results from a T to C substitution at nucleotide position 1147. The tyrosine at codon 383 is replaced by histidine, an amino acid with similar properties. This amino acid position is conserved. In addition, this alteration is predicted to be tolerated by in silico analysis. Based on the available evidence, the clinical significance of this variant remains unclear.

GeneDx
Classification: Uncertain significance. Last evaluated: 2024-01-26. Review status: criteria provided, single submitter. Criteria: GeneDx Variant Classification Process June 2021. Collection method: clinical testing. Allele origin: germline. Affected: yes.
Comment: Not observed at significant frequency in large population cohorts (gnomAD); In silico analysis supports that this missense variant has a deleterious effect on protein structure/function; Has not been previously published as pathogenic or benign to our knowledge

NM_020937.4(FANCM):c.1147T>C (p.Tyr383His)

Gene: FANCM (FA complementation group M; plus strand). Cytogenetic location: 14q21.2.
Variant type: single nucleotide variant.
Coding change: c.1147T>C on transcript NM_020937.4 (MANE Select); coding-DNA position 1147, T replaced by C.
Protein change: p.Tyr383His; replaces tyrosine 383 with histidine.
Molecular consequence: missense variant.
Genome position (GRCh38, 1-based): chr14:45,154,016, T>C. VCF-style: chr14-45154016-T-C. GRCh37 (hg19) VCF-style: chr14-45623219-T-C.
Other names: c.1069T>C, p.Tyr357His (NM_001308133.2); c.1147T>C, p.Tyr383His (NM_001308134.2); short protein forms Y357H, Y383H.
Identifiers: ClinVar variation 2505584 (VCV002505584.3), dbSNP rs766761905, ClinGen allele CA7168946.
Genomic context (GRCh38, chr14:45,154,016, plus strand): 5'-ATTTGTATTAGTTTATATCATGGTTATGAATTATTGCAGCAAATGGGAATGAGATCATTA[T>C]ATTTCTTCCTTTGTGGAATTATGGATGGAACTAAAGGTAAATTATATCAAATTATTTAAA-3'
Protein context (NP_065988.1, residues 373-393): LLQQMGMRSL[Tyr383His]FFLCGIMDGT